The following is an entry in ClinVar:

NM_138413.4(HOGA1):c.395C>T (p.Ala132Val)

Gene: HOGA1 (4-hydroxy-2-oxoglutarate aldolase 1; plus strand). Cytogenetic location: 10q24.2.
Variant type: single nucleotide variant.
Coding change: c.395C>T on transcript NM_138413.4 (MANE Select); coding-DNA position 395, C replaced by T.
Protein change: p.Ala132Val; replaces alanine 132 with valine.
Molecular consequence: missense variant. On other transcripts: intron variant (1).
Genome position (GRCh38, 1-based): chr10:97,599,143, C>T. VCF-style: chr10-97599143-C-T. GRCh37 (hg19) VCF-style: chr10-99358900-C-T.
Other names: c.212-2714C>T (NM_001134670.2); short protein forms A132V.
Identifiers: ClinVar variation 2067410 (VCV002067410.2), dbSNP rs200236086, ClinGen allele CA5634089.

ClinVar aggregate classification (germline): Uncertain significance. Review status: criteria provided, multiple submitters, no conflicts (2 of 4 stars). 2 submissions from 2 submitters: Uncertain significance (2). Last evaluated 2024-03-04.

Conditions:
Primary hyperoxaluria type 3. Also called: PH III. Identifiers: Orphanet 416, Orphanet 93600, MedGen C3150878, MONDO:0013327, OMIM 613616. Disease mechanism: loss of function.

Allele frequency attached by ClinVar (database versions not stated): ESP Exome Variant Server 0.00008; ExAC 0.00010; gnomAD 0.00015; 1000 Genomes Project 30x 0.00016; 1000 Genomes Project 0.00020; gnomAD exomes 0.00026.

Submissions (2):

Fulgent Genetics
Classification: Uncertain significance for Primary hyperoxaluria type 3. Last evaluated: 2024-03-04. Review status: criteria provided, single submitter. Criteria: ACMG Guidelines, 2015. Collection method: clinical testing. Allele origin: germline.

Labcorp Genetics (formerly Invitae), Labcorp
Classification: Uncertain significance. Last evaluated: 2022-02-10. Review status: criteria provided, single submitter. Criteria: Invitae Variant Classification Sherloc (09022015). Collection method: clinical testing. Allele origin: germline.
Comment: This sequence change replaces alanine, which is neutral and non-polar, with valine, which is neutral and non-polar, at codon 132 of the HOGA1 protein (p.Ala132Val). This variant is present in population databases (rs200236086, gnomAD 0.03%). This variant has not been reported in the literature in individuals affected with HOGA1-related conditions. Advanced modeling of protein sequence and biophysical properties (such as structural, functional, and spatial information, amino acid conservation, physicochemical variation, residue mobility, and thermodynamic stability) performed at Invitae indicates that this missense variant is not expected to disrupt HOGA1 protein function. In summary, the available evidence is currently insufficient to determine the role of this variant in disease. Therefore, it has been classified as a Variant of Uncertain Significance.